The following is an entry in ClinVar:

ClinVar aggregate classification (germline): Benign. Review status: criteria provided, multiple submitters, no conflicts (2 of 4 stars). 2 submissions from 2 submitters: Benign (2). Last evaluated 2018-06-14.

Allele frequency attached by ClinVar (database versions not stated): gnomAD 0.60365 and 0.60753; TOPMed 0.61717; 1000 Genomes Project 30x 0.69519; 1000 Genomes Project 0.69748.
gnomAD v4.1: 859,281 of 1,571,380 alleles (55%); highest among the groups gnomAD compares: East Asian, 88%; 241,769 homozygotes.

Submissions (2):

GeneDx
Classification: Benign. Last evaluated: 2018-06-14. Review status: criteria provided, single submitter. Criteria: GeneDx Variant Classification (06012015). Collection method: clinical testing. Allele origin: germline. Affected: yes.
Comment: This variant is considered likely benign or benign based on one or more of the following criteria: it is a conservative change, it occurs at a poorly conserved position in the protein, it is predicted to be benign by multiple in silico algorithms, and/or has population frequency not consistent with disease.

Breakthrough Genomics
Classification: Benign. Review status: criteria provided, single submitter. Criteria: ACMG Guidelines, 2015. Collection method: not provided. Allele origin: germline. Inheritance: Autosomal recessive inheritance. Affected: yes.

NM_006440.5(TXNRD2):c.374+77G>C

Gene: TXNRD2 (thioredoxin reductase 2; minus strand). Cytogenetic location: 22q11.21.
Variant type: single nucleotide variant.
Coding change: c.374+77G>C on transcript NM_006440.5 (MANE Select); 77 bases into the intron after coding-DNA position 374, G replaced by C.
Molecular consequence: intron variant.
Genome position (GRCh38, 1-based): chr22:19,918,783, C>G on the plus strand (G>C on the coding strand, the complement: TXNRD2 is on the minus strand). VCF-style: chr22-19918783-C-G. GRCh37 (hg19) VCF-style: chr22-19906306-C-G.
Other names: c.371+77G>C (NM_001352300.2); c.86+77G>C (NM_001352302.2); c.284+77G>C (NM_001352301.2); c.374+77G>C (NM_001282512.3); c.278+77G>C (NM_001352303.2).
Identifiers: ClinVar variation 678638 (VCV000678638.2), dbSNP rs3747067, ClinGen allele CA14920364.